The following is an entry in ClinVar:

NM_000234.3(LIG1):c.1244del (p.Thr415fs)

Gene: LIG1 (DNA ligase 1; minus strand). Cytogenetic location: 19q13.33.
Variant type: Deletion.
Coding change: c.1244del on transcript NM_000234.3 (MANE Select); coding-DNA position 1244, one base deleted (C; older notation c.1244delC).
Protein change: p.Thr415fs; shifts the reading frame from threonine 415.
Molecular consequence: frameshift variant. On other transcripts: non-coding transcript variant (6).
Genome position (GRCh38, 1-based): chr19:48,137,532, G deleted on the plus strand (C on the coding strand, the reverse complement: LIG1 is on the minus strand). VCF-style (leftmost placement, unchanged base first): chr19-48137531-AG-A. GRCh37 (hg19) VCF-style: chr19-48640788-AG-A.
Other names: c.1151del, p.Thr384fs (NM_001289063.2); c.1040del, p.Thr347fs (NM_001289064.2); c.1241del, p.Thr414fs (NM_001320970.2); c.1154del, p.Thr385fs (NM_001320971.2); short protein forms T347fs, T384fs, T385fs, T414fs, T415fs.
Identifiers: ClinVar variation 1343095 (VCV001343095.6), dbSNP rs778319960, ClinGen allele CA9546911.

ClinVar aggregate classification (germline): Pathogenic. Review status: criteria provided, single submitter (1 of 4 stars). 2 submissions from 2 submitters: Pathogenic (1). 1 of the submissions does not count toward it. Last evaluated 2025-09-10.

Conditions:
Immunodeficiency 96 (IMD96). Identifiers: MedGen C5676930, MONDO:0030693, OMIM 619774.

Allele frequency attached by ClinVar (database versions not stated): gnomAD 0.00001; gnomAD exomes 0.00003 and 0.00005; TOPMed 0.00003; ExAC 0.00004.

Submissions (2):

Labcorp Genetics (formerly Invitae), Labcorp
Classification: Pathogenic. Last evaluated: 2025-09-10. Review status: criteria provided, single submitter. Criteria: Invitae Variant Classification Sherloc (09022015). Collection method: clinical testing. Allele origin: germline.
Comment: This sequence change creates a premature translational stop signal (p.Thr415Metfs*10) in the LIG1 gene. It is expected to result in an absent or disrupted protein product. However, the current clinical and genetic evidence is not sufficient to establish whether loss-of-function variants in LIG1 cause disease. This variant is present in population databases (rs778319960, gnomAD 0.006%). This premature translational stop signal has been observed in individual(s) with DNA ligase I deficiency (PMID: 30395541). In at least one individual the data is consistent with being in trans (on the opposite chromosome) from a pathogenic variant. ClinVar contains an entry for this variant (Variation ID: 1343095). Algorithms developed to predict the effect of variants on gene product structure and function are not available or were not evaluated for this variant. Experimental studies have shown that this premature translational stop signal affects LIG1 function (PMID: 30395541). For these reasons, this variant has been classified as Pathogenic.

OMIM
Classification: Pathogenic for IMMUNODEFICIENCY 96. Last evaluated: 2022-03-07. Review status: no assertion criteria provided. Collection method: literature only. Allele origin: unknown. Not counted in ClinVar's aggregate classification.

Literature cited by the submitters: PubMed 30395541 (cited by Labcorp Genetics (formerly Invitae), Labcorp and OMIM).